The following is an entry in ClinVar:

ClinVar aggregate classification (germline): Uncertain significance. Review status: criteria provided, multiple submitters, no conflicts (2 of 4 stars). 2 submissions from 2 submitters: Uncertain significance (2). Last evaluated 2025-09-24.

Conditions:
Short stature-brachydactyly-obesity-global developmental delay syndrome. Also called: SHORT STATURE, BRACHYDACTYLY, IMPAIRED INTELLECTUAL DEVELOPMENT, AND SEIZURES; Short stature, brachydactyly, intellectual developmental disability, and seizures. Identifiers: Orphanet 464288, MedGen C4310689, MONDO:0014944, OMIM 617157.

Allele frequency attached by ClinVar (database versions not stated): gnomAD exomes below 0.00001; TOPMed 0.00001.
gnomAD v4.1: 7 of 1,614,188 alleles (0.00043%); highest among the groups gnomAD compares: East Asian, 0.0022%; no homozygotes.

Submissions (2):

Genesolutions, Medical Genetics Institutes, Ho Chi Minh City, Vietnam
Classification: Uncertain significance for Short stature-brachydactyly-obesity-global developmental delay syndrome. Last evaluated: 2025-09-24. Review status: criteria provided, single submitter. Criteria: ACMG Guidelines, 2015. Collection method: clinical testing. Allele origin: germline. Affected: yes.

Labcorp Genetics (formerly Invitae), Labcorp
Classification: Uncertain significance. Last evaluated: 2022-09-19. Review status: criteria provided, single submitter. Criteria: Invitae Variant Classification Sherloc (09022015). Collection method: clinical testing. Allele origin: germline.
Comment: This variant is present in population databases (no rsID available, gnomAD 0.0009%). This sequence change replaces arginine, which is basic and polar, with tryptophan, which is neutral and slightly polar, at codon 378 of the PRMT7 protein (p.Arg378Trp). This variant has not been reported in the literature in individuals affected with PRMT7-related conditions. In summary, the available evidence is currently insufficient to determine the role of this variant in disease. Therefore, it has been classified as a Variant of Uncertain Significance. Advanced modeling of protein sequence and biophysical properties (such as structural, functional, and spatial information, amino acid conservation, physicochemical variation, residue mobility, and thermodynamic stability) performed at Invitae indicates that this missense variant is expected to disrupt PRMT7 protein function. ClinVar contains an entry for this variant (Variation ID: 1501864).

NM_019023.5(PRMT7):c.1132C>T (p.Arg378Trp)

Gene: PRMT7 (protein arginine methyltransferase 7; plus strand). Cytogenetic location: 16q22.1.
Variant type: single nucleotide variant.
Coding change: c.1132C>T on transcript NM_019023.5 (MANE Select); coding-DNA position 1132, C replaced by T.
Protein change: p.Arg378Trp; replaces arginine 378 with tryptophan.
Molecular consequence: missense variant. On other transcripts: non-coding transcript variant (12).
Genome position (GRCh38, 1-based): chr16:68,346,221, C>T. VCF-style: chr16-68346221-C-T. GRCh37 (hg19) VCF-style: chr16-68380124-C-T.
Other names: c.982C>T, p.Arg328Trp (NM_001184824.4); c.1132C>T, p.Arg378Trp (NM_001290018.2, NM_001351143.3, NM_001351144.3 and 1 more transcripts); c.925C>T, p.Arg309Trp (NM_001378020.1); c.895C>T, p.Arg299Trp (NM_001378021.1, NM_001378022.1, NM_001378023.1); short protein forms R299W, R309W, R378W, R328W.
Identifiers: ClinVar variation 1501864 (VCV001501864.6), dbSNP rs1264960200, ClinGen allele CA396436489.